The following is an entry in ClinVar:

NM_001999.4(FBN2):c.3581C>T (p.Ser1194Phe)

Gene: FBN2 (fibrillin 2; minus strand). Cytogenetic location: 5q23.3.
Variant type: single nucleotide variant.
Coding change: c.3581C>T on transcript NM_001999.4 (MANE Select); coding-DNA position 3581, C replaced by T.
Protein change: p.Ser1194Phe; replaces serine 1194 with phenylalanine.
Molecular consequence: missense variant.
Genome position (GRCh38, 1-based): chr5:128,338,014, G>A on the plus strand (C>T on the coding strand, the complement: FBN2 is on the minus strand). VCF-style: chr5-128338014-G-A. GRCh37 (hg19) VCF-style: chr5-127673706-G-A.
Other names: short protein forms S1194F.
Identifiers: ClinVar variation 945156 (VCV000945156.11), dbSNP rs914081385, ClinGen allele CA127014877.

ClinVar aggregate classification (germline): Uncertain significance. Review status: criteria provided, multiple submitters, no conflicts (2 of 4 stars). 2 submissions from 2 submitters: Uncertain significance (2). Last evaluated 2026-03-28.

Conditions:
Congenital contractural arachnodactyly (CCA). Also called: BEALS SYNDROME; Beals-Hecht syndrome; Arthrogryposis, distal, type 9. Identifiers: Orphanet 115, MedGen C0220668, MONDO:0007363, OMIM 121050.
Familial thoracic aortic aneurysm and aortic dissection (TAAD). Also called: Thoracic aortic aneurysms and dissections. Identifiers: Orphanet 91387, MedGen C4707243, MONDO:0019625.

Allele frequency attached by ClinVar (database versions not stated): gnomAD 0.00001; TOPMed 0.00002; gnomAD exomes below 0.00001.
gnomAD v4.1: 3 of 1,614,162 alleles (0.00019%); highest among the groups gnomAD compares: Admixed American, 0.0017%; no homozygotes.

Submissions (2):

Ambry Genetics
Classification: Uncertain significance for Familial thoracic aortic aneurysm and aortic dissection. Last evaluated: 2026-03-28. Review status: criteria provided, single submitter. Criteria: Ambry Variant Classification Scheme 2023. Collection method: clinical testing. Allele origin: germline.
Comment: The p.S1194F variant (also known as c.3581C>T), located in coding exon 27 of the FBN2 gene, results from a C to T substitution at nucleotide position 3581. The serine at codon 1194 is replaced by phenylalanine, an amino acid with highly dissimilar properties. This amino acid position is conserved. In addition, the in silico prediction for this alteration is inconclusive. Based on the available evidence, the clinical significance of this variant remains unclear.

Labcorp Genetics (formerly Invitae), Labcorp
Classification: Uncertain significance for Congenital contractural arachnodactyly. Last evaluated: 2019-05-29. Review status: criteria provided, single submitter. Criteria: Invitae Variant Classification Sherloc (09022015). Collection method: clinical testing. Allele origin: germline.
Comment: This sequence change replaces serine with phenylalanine at codon 1194 of the FBN2 protein (p.Ser1194Phe). The serine residue is highly conserved and there is a large physicochemical difference between serine and phenylalanine. This variant is not present in population databases (ExAC no frequency). This variant has not been reported in the literature in individuals with FBN2-related conditions. Algorithms developed to predict the effect of missense changes on protein structure and function are either unavailable or do not agree on the potential impact of this missense change (SIFT: "Deleterious"; PolyPhen-2: "Possibly Damaging"; Align-GVGD: "Class C0"). In summary, the available evidence is currently insufficient to determine the role of this variant in disease. Therefore, it has been classified as a Variant of Uncertain Significance.